The following is an entry in ClinVar:

NM_001242896.3(DEPDC5):c.3159C>A (p.Cys1053Ter)

Gene: DEPDC5 (DEP domain containing 5, GATOR1 subcomplex subunit; plus strand). Cytogenetic location: 22q12.3.
Variant type: single nucleotide variant.
Coding change: c.3159C>A on transcript NM_001242896.3 (MANE Select); coding-DNA position 3159, C replaced by A.
Protein change: p.Cys1053Ter; replaces cysteine 1053 with a stop codon.
Molecular consequence: nonsense. On other transcripts: non-coding transcript variant (5).
Genome position (GRCh38, 1-based): chr22:31,857,448, C>A. VCF-style: chr22-31857448-C-A. GRCh37 (hg19) VCF-style: chr22-32253434-C-A.
Other names: c.3132C>A, p.Cys1044Ter (NM_001136029.4, NM_001369903.1, NM_014662.6); c.2925C>A, p.Cys975Ter (NM_001242897.2, NM_001363854.2, NM_001364319.2); c.3159C>A, p.Cys1053Ter (NM_001363852.2, NM_001364318.2, NM_001364320.2); c.3075C>A, p.Cys1025Ter (NM_001369901.1, NM_001369902.1); short protein forms C1044*, C1053*, C1025*, C975*.
Identifiers: ClinVar variation 1451869 (VCV001451869.6), dbSNP rs1162414657, ClinGen allele CA411293685.

ClinVar aggregate classification (germline): Pathogenic (1 of 4 stars; one submission).

Conditions:
Familial focal epilepsy with variable foci (FPEVF). Identifiers: Orphanet 98820, MedGen C1858477, MONDO:0020310.

Submission:

Labcorp Genetics (formerly Invitae), Labcorp
Classification: Pathogenic for Familial focal epilepsy with variable foci. Last evaluated: 2025-03-27. Review status: criteria provided, single submitter. Criteria: Invitae Variant Classification Sherloc (09022015). Collection method: clinical testing. Allele origin: germline.
Comment: This sequence change creates a premature translational stop signal (p.Cys1053*) in the DEPDC5 gene. It is expected to result in an absent or disrupted protein product. Loss-of-function variants in DEPDC5 are known to be pathogenic (PMID: 23542697, 23542701). This variant is not present in population databases (gnomAD no frequency). This variant has not been reported in the literature in individuals affected with DEPDC5-related conditions. ClinVar contains an entry for this variant (Variation ID: 1451869). For these reasons, this variant has been classified as Pathogenic.

Literature cited by the submitters: PubMed 23542697; PubMed 23542701.